The following is an entry in ClinVar:

ClinVar aggregate classification (germline): Uncertain significance. Review status: criteria provided, multiple submitters, no conflicts (2 of 4 stars). 3 submissions from 3 submitters: Uncertain significance (2). 1 of the submissions does not count toward it. Last evaluated 2022-03-17.

Conditions:
Familial dysautonomia. Also called: HSAN III; FD. Identifiers: Orphanet 1764, MedGen C0013364, MONDO:0009131, OMIM 223900. Disease mechanism: loss of function.

Allele frequency attached by ClinVar (database versions not stated): TOPMed 0.00002; ExAC 0.00006; gnomAD 0.00006.
gnomAD v4.1: 53 of 1,613,942 alleles (0.0033%); highest among the groups gnomAD compares: South Asian, 0.0044%; no homozygotes.

Submissions (3):

Ambry Genetics
Classification: Uncertain significance. Last evaluated: 2022-03-17. Review status: criteria provided, single submitter. Criteria: Ambry Variant Classification Scheme 2023. Collection method: clinical testing. Allele origin: germline.
Comment: The p.T793M variant (also known as c.2378C>T), located in coding exon 22 of the IKBKAP gene, results from a C to T substitution at nucleotide position 2378. The threonine at codon 793 is replaced by methionine, an amino acid with similar properties. This amino acid position is conserved. In addition, this alteration is predicted to be deleterious by in silico analysis. Since supporting evidence is limited at this time, the clinical significance of this alteration remains unclear.

Labcorp Genetics (formerly Invitae), Labcorp
Classification: Uncertain significance. Last evaluated: 2021-08-27. Review status: criteria provided, single submitter. Criteria: Invitae Variant Classification Sherloc (09022015). Collection method: clinical testing. Allele origin: germline.

Natera, Inc.
Classification: Uncertain significance for Familial dysautonomia. Last evaluated: 2020-10-15. Review status: no assertion criteria provided. Collection method: clinical testing. Allele origin: germline. Not counted in ClinVar's aggregate classification.

NM_003640.5(ELP1):c.2378C>T (p.Thr793Met)

Gene: ELP1 (elongator acetyltransferase complex subunit 1; minus strand). Cytogenetic location: 9q31.3.
Variant type: single nucleotide variant.
Coding change: c.2378C>T on transcript NM_003640.5 (MANE Select); coding-DNA position 2378, C replaced by T.
Protein change: p.Thr793Met; replaces threonine 793 with methionine.
Molecular consequence: missense variant.
Genome position (GRCh38, 1-based): chr9:108,897,271, G>A on the plus strand (C>T on the coding strand, the complement: ELP1 is on the minus strand). VCF-style: chr9-108897271-G-A. GRCh37 (hg19) VCF-style: chr9-111659551-G-A.
Other names: c.2378C>T (LRG_251t1); c.2036C>T, p.Thr679Met (NM_001318360.2); c.1331C>T, p.Thr444Met (NM_001330749.2); short protein forms T793M, T444M, T679M.
Identifiers: ClinVar variation 642225 (VCV000642225.11), dbSNP rs201596987, ClinGen allele CA5174655.